The following is an entry in ClinVar:

NM_002693.3(POLG):c.401A>T (p.Asn134Ile)

Genes: POLGARF (POLG alternative reading frame; minus strand), POLG (DNA polymerase gamma, catalytic subunit; minus strand). Cytogenetic location: 15q26.1.
Variant type: single nucleotide variant.
Coding change: c.401A>T on transcript NM_002693.3 (MANE Select); coding-DNA position 401, A replaced by T.
Protein change: p.Asn134Ile; replaces asparagine 134 with isoleucine.
Molecular consequence: missense variant.
Genome position (GRCh38, 1-based): chr15:89,333,354, T>A on the plus strand (A>T on the coding strand, the complement: POLG is on the minus strand). VCF-style: chr15-89333354-T-A. GRCh37 (hg19) VCF-style: chr15-89876585-T-A.
Other names: c.401A>T, p.Asn134Ile (NM_001126131.2); short protein forms N134I.
Identifiers: ClinVar variation 1899642 (VCV001899642.6), dbSNP rs765542094, ClinGen allele CA393772008.

ClinVar aggregate classification (germline): Uncertain significance. Review status: criteria provided, multiple submitters, no conflicts (2 of 4 stars). 2 submissions from 2 submitters: Uncertain significance (2). Last evaluated 2024-11-27.

Conditions:
Progressive sclerosing poliodystrophy (MTDPS4A). Also called: Alpers-Huttenlocher Syndrome; Mitochondrial DNA Depletion Syndrome 4A; ALPERS PROGRESSIVE INFANTILE POLIODYSTROPHY; NEURONAL DEGENERATION OF CHILDHOOD WITH LIVER DISEASE, PROGRESSIVE; Alpers-Huttenlocher Syndrome (AHS); Alpers Syndrome. Identifiers: Orphanet 726, MedGen C0205710, MONDO:0008758, OMIM 203700.
Inborn genetic diseases. Identifiers: MedGen C0950123, MeSH D030342.

Allele frequency attached by ClinVar (database versions not stated): TOPMed below 0.00001.
gnomAD v4.1: 7 of 1,571,044 alleles (0.00045%); highest among the groups gnomAD compares: Admixed American, 0.0092%; no homozygotes.

Submissions (2):

Ambry Genetics
Classification: Uncertain significance for Inborn genetic diseases. Last evaluated: 2024-11-27. Review status: criteria provided, single submitter. Criteria: Ambry Variant Classification Scheme 2023. Collection method: clinical testing. Allele origin: germline.

Labcorp Genetics (formerly Invitae), Labcorp
Classification: Uncertain significance for Progressive sclerosing poliodystrophy. Last evaluated: 2024-05-16. Review status: criteria provided, single submitter. Criteria: Invitae Variant Classification Sherloc (09022015). Collection method: clinical testing. Allele origin: germline.
Comment: This sequence change replaces asparagine, which is neutral and polar, with isoleucine, which is neutral and non-polar, at codon 134 of the POLG protein (p.Asn134Ile). This variant is present in population databases (no rsID available, gnomAD 0.01%). This variant has not been reported in the literature in individuals affected with POLG-related conditions. ClinVar contains an entry for this variant (Variation ID: 1899642). Advanced modeling of protein sequence and biophysical properties (such as structural, functional, and spatial information, amino acid conservation, physicochemical variation, residue mobility, and thermodynamic stability) performed at Invitae indicates that this missense variant is expected to disrupt POLG protein function with a positive predictive value of 80%. In summary, the available evidence is currently insufficient to determine the role of this variant in disease. Therefore, it has been classified as a Variant of Uncertain Significance.